The following is an entry in ClinVar:

NM_019032.6(ADAMTSL4):c.1960C>T (p.Pro654Ser)

Genes: ADAMTSL4 (ADAMTS like 4; plus strand), ADAMTSL4-AS2 (ADAMTSL4 antisense RNA 2; minus strand). Cytogenetic location: 1q21.2.
Variant type: single nucleotide variant.
Coding change: c.1960C>T on transcript NM_019032.6 (MANE Select); coding-DNA position 1960, C replaced by T.
Protein change: p.Pro654Ser; replaces proline 654 with serine.
Molecular consequence: missense variant. On other transcripts: intron variant (1).
Genome position (GRCh38, 1-based): chr1:150,557,248, C>T. VCF-style: chr1-150557248-C-T. GRCh37 (hg19) VCF-style: chr1-150529724-C-T.
Other names: c.2029C>T, p.Pro677Ser (NM_001288608.2); c.1960C>T, p.Pro654Ser (NM_001378596.1, NM_025008.5); c.1857-14C>T (NM_001288607.2); short protein forms P654S, P677S.
Identifiers: ClinVar variation 3768949 (VCV003768949.1).

ClinVar aggregate classification (germline): Uncertain significance (1 of 4 stars; one submission).

gnomAD v4.1: 73 of 1,611,482 alleles (0.0045%); highest among the groups gnomAD compares: South Asian, 0.072%; 1 homozygote.

Submission:

Women's Health and Genetics/Laboratory Corporation of America, LabCorp
Classification: Uncertain significance. Last evaluated: 2025-02-28. Review status: criteria provided, single submitter. Criteria: LabCorp Variant Classification Summary - May 2015. Collection method: clinical testing. Allele origin: germline.
Comment: Variant summary: ADAMTSL4 c.1960C>T (p.Pro654Ser) results in a non-conservative amino acid change in the encoded protein sequence. Three of five in-silico tools predict a damaging effect of the variant on protein function. The variant allele was found at a frequency of 9.9e-05 in 242956 control chromosomes. This frequency is not significantly higher than estimated for a pathogenic variant in ADAMTSL4 causing ADAMTSL4-Related Disorders, allowing no conclusion about variant significance. c.1960C>T has been reported in the literature in at-least one homozygous individual, conceived by a consanguineous union, with ectopia lentis, a slim marfanoid body build with arm span to height ratio greater than 1.05, arachnodactyly, and somewhat hyperextensible skin (example: Aragon-Martin_2010). These data indicate that the variant may be associated with disease. To our knowledge, no experimental evidence demonstrating an impact on protein function has been reported. The following publication have been ascertained in the context of this evaluation (PMID: 20564469). No submitters have cited clinical-significance assessments for this variant to ClinVar. Based on the evidence outlined above, the variant was classified as VUS-possibly pathogenic.

Literature cited by the submitters: PubMed 20564469.